The following is an entry in ClinVar:

ClinVar aggregate classification (germline): not provided (0 of 4 stars; one submission).

Conditions:
Migraine, familial hemiplegic, 1. Also called: MIGRAINE, FAMILIAL HEMIPLEGIC 1, WITH PROGRESSIVE CEREBELLAR ATAXIA. Identifiers: Orphanet 569, MedGen C1832884, MONDO:0020756, OMIM 141500, MONDO:0007714.

Submission:

UniProtKB/Swiss-Prot
No classification provided. Condition: Familial hemiplegic migraine type 1. Review status: no classification provided. Collection method: not provided. Allele origin: not provided.
Comment: Variant designated as W1684R in source PubMed 11439943

NM_001127222.2(CACNA1A):c.5044T>C (p.Trp1682Arg)

Gene: CACNA1A (calcium voltage-gated channel subunit alpha1 A; minus strand). Cytogenetic location: 19p13.13.
Variant type: single nucleotide variant.
Coding change: c.5044T>C on transcript NM_001127222.2 (MANE Select); coding-DNA position 5044, T replaced by C.
Protein change: p.Trp1682Arg; replaces tryptophan 1682 with arginine.
Molecular consequence: missense variant.
Genome position (GRCh38, 1-based): chr19:13,235,637, A>G on the plus strand (T>C on the coding strand, the complement: CACNA1A is on the minus strand). VCF-style: chr19-13235637-A-G. GRCh37 (hg19) VCF-style: chr19-13346451-A-G.
Other names: W1684R; c.5062T>C, p.Trp1688Arg (NM_000068.4, NM_023035.3); c.5047T>C, p.Trp1683Arg (NM_001127221.2); c.5053T>C, p.Trp1685Arg (NM_001174080.2); short protein forms W1683R, W1682R, W1685R, W1688R.
Identifiers: ClinVar variation 68435 (VCV000068435.1), dbSNP rs121908221, ClinGen allele CA266059.